The following is an entry in ClinVar:

ClinVar aggregate classification (germline): Benign (1 of 4 stars; one submission).

Allele frequency attached by ClinVar (database versions not stated): 1000 Genomes Project 30x 0.80903; 1000 Genomes Project 0.81050; TOPMed 0.88753; gnomAD 0.89556 and 0.90381.
gnomAD v4.1: 136,453 of 152,262 alleles (90%); highest among the groups gnomAD compares: Non-Finnish European, 96%; 61,559 homozygotes.

Submission:

GeneDx
Classification: Benign. Last evaluated: 2018-06-16. Review status: criteria provided, single submitter. Criteria: GeneDx Variant Classification (06012015). Collection method: clinical testing. Allele origin: germline. Affected: yes.
Comment: This variant is considered likely benign or benign based on one or more of the following criteria: it is a conservative change, it occurs at a poorly conserved position in the protein, it is predicted to be benign by multiple in silico algorithms, and/or has population frequency not consistent with disease.

NM_001360.3(DHCR7):c.98+260T>C

Gene: DHCR7 (7-dehydrocholesterol reductase; minus strand). Cytogenetic location: 11q13.4.
Variant type: single nucleotide variant.
Coding change: c.98+260T>C on transcript NM_001360.3 (MANE Select); 260 bases into the intron after coding-DNA position 98, T replaced by C.
Molecular consequence: intron variant.
Genome position (GRCh38, 1-based): chr11:71,444,595, A>G on the plus strand (T>C on the coding strand, the complement: DHCR7 is on the minus strand). VCF-style: chr11-71444595-A-G. GRCh37 (hg19) VCF-style: chr11-71155641-A-G.
Other names: c.98+260T>C (NM_001163817.2).
Identifiers: ClinVar variation 667656 (VCV000667656.1), dbSNP rs2851693, ClinGen allele CA13387453.